The following is an entry in ClinVar:

ClinVar aggregate classification (germline): Uncertain significance (1 of 4 stars; one submission).

Conditions:
BAP1-related tumor predisposition syndrome (TPDS1). Also called: Tumor susceptibility linked to germline BAP1 mutations; TUMOR PREDISPOSITION SYNDROME 1; COMMON Syndrome; BAP1 tumor predisposition syndrome. Identifiers: Orphanet 289539, MedGen C3280492, MONDO:0013692, OMIM 614327.

Submission:

Labcorp Genetics (formerly Invitae), Labcorp
Classification: Uncertain significance for BAP1-related tumor predisposition syndrome. Last evaluated: 2024-02-17. Review status: criteria provided, single submitter. Criteria: Invitae Variant Classification Sherloc (09022015). Collection method: clinical testing. Allele origin: germline.
Comment: This sequence change replaces proline, which is neutral and non-polar, with leucine, which is neutral and non-polar, at codon 110 of the BAP1 protein (p.Pro110Leu). This variant is not present in population databases (gnomAD no frequency). This variant has not been reported in the literature in individuals affected with BAP1-related conditions. Advanced modeling of protein sequence and biophysical properties (such as structural, functional, and spatial information, amino acid conservation, physicochemical variation, residue mobility, and thermodynamic stability) performed at Invitae indicates that this missense variant is not expected to disrupt BAP1 protein function with a negative predictive value of 80%. In summary, the available evidence is currently insufficient to determine the role of this variant in disease. Therefore, it has been classified as a Variant of Uncertain Significance.

NM_004656.4(BAP1):c.329C>T (p.Pro110Leu)

Gene: BAP1 (BRCA1 associated deubiquitinase 1; minus strand). Cytogenetic location: 3p21.1.
Variant type: single nucleotide variant.
Coding change: c.329C>T on transcript NM_004656.4 (MANE Select); coding-DNA position 329, C replaced by T.
Protein change: p.Pro110Leu; replaces proline 110 with leucine.
Molecular consequence: missense variant.
Genome position (GRCh38, 1-based): chr3:52,408,004, G>A on the plus strand (C>T on the coding strand, the complement: BAP1 is on the minus strand). VCF-style: chr3-52408004-G-A. GRCh37 (hg19) VCF-style: chr3-52442020-G-A.
Other names: c.329C>T, p.Pro110Leu (NM_001410772.1); short protein forms P110L.
Identifiers: ClinVar variation 3641636 (VCV003641636.2).
Genomic context (GRCh38, chr3:52,408,004, plus strand): 5'-GCACTGCAGCCTACCTCAGGGCTGAAACCCTTGGTGAAGTCCTTCATGCGACTCAGGGTG[G>A]GTCCCAGGTCCACGCTGCTGCAGTTCAGGAGCACGCTCAGCAAGGCATGAGTTGCACAAG-3'
Protein context (NP_004647.1, residues 100-120): LLNCSSVDLG[Pro110Leu]TLSRMKDFTK